The following is an entry in ClinVar:

NM_001267550.2(TTN):c.20263G>C (p.Val6755Leu)

Genes: TTN (titin; minus strand), LOC126806429 (BRD4-independent group 4 enhancer GRCh37_chr2:179591393-179592592; plus strand). Cytogenetic location: 2q31.2.
Variant type: single nucleotide variant.
Coding change: c.20263G>C on transcript NM_001267550.2 (MANE Select); coding-DNA position 20263, G replaced by C.
Protein change: p.Val6755Leu; replaces valine 6755 with leucine.
Molecular consequence: missense variant. On other transcripts: intron variant (3).
Genome position (GRCh38, 1-based): chr2:178,727,102, C>G on the plus strand (G>C on the coding strand, the complement: TTN is on the minus strand). VCF-style: chr2-178727102-C-G. GRCh37 (hg19) VCF-style: chr2-179591829-C-G.
Other names: c.16531G>C, p.Val5511Leu (NM_133378.4); c.19312G>C, p.Val6438Leu (NM_001256850.1); c.13282+10980G>C (NM_003319.4); c.13858+10980G>C (NM_133437.4); c.13657+10980G>C (NM_133432.3); short protein forms V5511L, V6755L, V6438L.
Identifiers: ClinVar variation 228064 (VCV000228064.5), dbSNP rs876657599, ClinGen allele CA10576555.
Genomic context (GRCh38, chr2:178,727,102, plus strand): 5'-GAGAAGGTGGTTTTCATTTAATGAGAAACACAAGAACAAGATGTCTACCTTTTACTATAA[C>G]CTTGGTACTGCAGCTTGTGCTGCCAGCGGGATTCTGAGCCTCACAAATGAAATCTCCACT-3'
Protein context (NP_001254479.2, residues 6745-6765): PAGSTSCSTK[Val6755Leu]IVKEPPVFSS

ClinVar aggregate classification (germline): Likely benign (1 of 4 stars; one submission).

gnomAD v4.1: 1 of 1,571,030 alleles (0.000064%); highest among the groups gnomAD compares: South Asian, 0.0012%; no homozygotes.

Submission:

Laboratory for Molecular Medicine, Mass General Brigham Personalized Medicine
Classification: Likely benign. Last evaluated: 2015-03-30. Review status: criteria provided, single submitter. Criteria: LMM Criteria. Collection method: clinical testing. Allele origin: germline. Observed: 1 variant allele.
Comment: p.Val5511Leu in exon 66 of TTN: This variant is not expected to have clinical s ignificance due to a lack of conservation across species, including mammals. Of note, 3 mammals (squirrel monkey, pika, tenrec) and 10 reptiles and fish have a leucine (Leu) at this position despite high nearby amino acid conservation. In a ddition, computational prediction tools do not suggest a high likelihood of impa ct to the protein.